The following is an entry in ClinVar:

NM_001130987.2(DYSF):c.5306T>C (p.Ile1769Thr)

Gene: DYSF (dysferlin; plus strand). Cytogenetic location: 2p13.2.
Variant type: single nucleotide variant.
Coding change: c.5306T>C on transcript NM_001130987.2 (MANE Select); coding-DNA position 5306, T replaced by C.
Protein change: p.Ile1769Thr; replaces isoleucine 1769 with threonine.
Molecular consequence: missense variant.
Genome position (GRCh38, 1-based): chr2:71,665,293, T>C. VCF-style: chr2-71665293-T-C. GRCh37 (hg19) VCF-style: chr2-71892423-T-C.
Other names: c.5192T>C, p.Ile1731Thr (NM_001130455.2); c.5147T>C, p.Ile1716Thr (NM_001130976.2); c.5210T>C, p.Ile1737Thr (NM_001130977.2); c.5252T>C, p.Ile1751Thr (NM_001130978.2); c.5282T>C, p.Ile1761Thr (NM_001130979.2); c.5240T>C, p.Ile1747Thr (NM_001130980.2); c.5303T>C, p.Ile1768Thr (NM_001130981.2); c.5285T>C, p.Ile1762Thr (NM_001130982.2); and 6 more; short protein forms I1730T, I1769T, I1716T, I1747T, I1751T, I1717T, I1737T, I1738T.
Identifiers: ClinVar variation 282825 (VCV000282825.10), dbSNP rs886042493, ClinGen allele CA10604311.

ClinVar aggregate classification (germline): Uncertain significance. Review status: criteria provided, multiple submitters, no conflicts (2 of 4 stars). 3 submissions from 3 submitters: Uncertain significance (3). Last evaluated 2025-05-17.

Conditions:
Neuromuscular disease caused by qualitative or quantitative defects of dysferlin. Also called: Qualitative or quantitative defects of dysferlin; Dysferlinopathy. Identifiers: Orphanet 207073, MedGen C2931687, MONDO:0016145.
Inborn genetic diseases. Identifiers: MedGen C0950123, MeSH D030342.

gnomAD v4.1: 4 of 1,614,164 alleles (0.00025%); highest among the groups gnomAD compares: Middle Eastern, 0.016%; no homozygotes.

Submissions (3):

Ambry Genetics
Classification: Uncertain significance for Inborn genetic diseases. Last evaluated: 2025-05-17. Review status: criteria provided, single submitter. Criteria: Ambry Variant Classification Scheme 2023. Collection method: clinical testing. Allele origin: germline.

Labcorp Genetics (formerly Invitae), Labcorp
Classification: Uncertain significance for Neuromuscular disease caused by qualitative or quantitative defects of dysferlin. Last evaluated: 2021-09-30. Review status: criteria provided, single submitter. Criteria: Invitae Variant Classification Sherloc (09022015). Collection method: clinical testing. Allele origin: germline.
Comment: This sequence change replaces isoleucine with threonine at codon 1730 of the DYSF protein (p.Ile1730Thr). The isoleucine residue is moderately conserved and there is a moderate physicochemical difference between isoleucine and threonine. This variant is not present in population databases (ExAC no frequency). This variant has not been reported in the literature in individuals with DYSF-related conditions. ClinVar contains an entry for this variant (Variation ID: 282825). Advanced modeling of protein sequence and biophysical properties (such as structural, functional, and spatial information, amino acid conservation, physicochemical variation, residue mobility, and thermodynamic stability) performed at Invitae indicates that this missense variant is not expected to disrupt DYSF protein function. In summary, the available evidence is currently insufficient to determine the role of this variant in disease. Therefore, it has been classified as a Variant of Uncertain Significance.

Eurofins Ntd Llc (ga)
Classification: Uncertain significance. Last evaluated: 2015-10-06. Review status: criteria provided, single submitter. Criteria: EGL Classification Definitions 2015. Collection method: clinical testing. Allele origin: germline. Observed: 1 variant allele, 1 heterozygote.